The following is an entry in ClinVar:

NM_006206.6(PDGFRA):c.755A>T (p.Glu252Val)

Gene: PDGFRA (platelet derived growth factor receptor alpha; plus strand). Cytogenetic location: 4q12.
Variant type: single nucleotide variant.
Coding change: c.755A>T on transcript NM_006206.6 (MANE Select); coding-DNA position 755, A replaced by T.
Protein change: p.Glu252Val; replaces glutamic acid 252 with valine.
Molecular consequence: missense variant.
Genome position (GRCh38, 1-based): chr4:54,265,045, A>T. VCF-style: chr4-54265045-A-T. GRCh37 (hg19) VCF-style: chr4-55131212-A-T.
Other names: c.755A>T, p.Glu252Val (NM_001347827.2, NM_001347829.2); c.830A>T, p.Glu277Val (NM_001347828.2); c.794A>T, p.Glu265Val (NM_001347830.2); short protein forms E252V, E277V, E265V.
Identifiers: ClinVar variation 459121 (VCV000459121.12), dbSNP rs1553902958, ClinGen allele CA356891026.

ClinVar aggregate classification (germline): Uncertain significance. Review status: criteria provided, multiple submitters, no conflicts (2 of 4 stars). 2 submissions from 2 submitters: Uncertain significance (2). Last evaluated 2025-05-23.

Conditions:
Gastrointestinal stromal tumor. Also called: Gastrointestinal stroma tumor; Gastrointestinal stromal tumor, somatic. Identifiers: Orphanet 44890, MedGen C0238198, MeSH D046152, MONDO:0011719, OMIM 606764, HP:0100723.
Hereditary cancer-predisposing syndrome. Also called: Tumor predisposition; Hereditary neoplastic syndrome; Neoplastic Syndromes, Hereditary; Hereditary Cancer Syndrome. Identifiers: Orphanet 140162, MedGen C0027672, MeSH D009386, MONDO:0015356.

Allele frequency attached by ClinVar (database versions not stated): gnomAD exomes below 0.00001.
gnomAD v4.1: 1 of 1,613,574 alleles (0.000062%); highest among the groups gnomAD compares: African/African-American, 0.0013%; no homozygotes.

Submissions (2):

Labcorp Genetics (formerly Invitae), Labcorp
Classification: Uncertain significance for Gastrointestinal stromal tumor. Last evaluated: 2025-05-23. Review status: criteria provided, single submitter. Criteria: Invitae Variant Classification Sherloc (09022015). Collection method: clinical testing. Allele origin: germline.
Comment: This sequence change replaces glutamic acid, which is acidic and polar, with valine, which is neutral and non-polar, at codon 252 of the PDGFRA protein (p.Glu252Val). This variant is not present in population databases (gnomAD no frequency). This variant has not been reported in the literature in individuals affected with PDGFRA-related conditions. ClinVar contains an entry for this variant (Variation ID: 459121). Invitae Evidence Modeling of protein sequence and biophysical properties (such as structural, functional, and spatial information, amino acid conservation, physicochemical variation, residue mobility, and thermodynamic stability) indicates that this missense variant is not expected to disrupt PDGFRA protein function with a negative predictive value of 80%. In summary, the available evidence is currently insufficient to determine the role of this variant in disease. Therefore, it has been classified as a Variant of Uncertain Significance.

Ambry Genetics
Classification: Uncertain significance for Hereditary cancer-predisposing syndrome. Last evaluated: 2024-03-19. Review status: criteria provided, single submitter. Criteria: Ambry Variant Classification Scheme 2023. Collection method: clinical testing. Allele origin: germline.